The following is an entry in ClinVar:

ClinVar aggregate classification (germline): Uncertain significance. Review status: criteria provided, multiple submitters, no conflicts (2 of 4 stars). 2 submissions from 2 submitters: Uncertain significance (2). Last evaluated 2026-03-24.

Allele frequency attached by ClinVar (database versions not stated): ESP Exome Variant Server 0.00008.
gnomAD v4.1: 53 of 1,614,126 alleles (0.0033%); highest among the groups gnomAD compares: Non-Finnish European, 0.0042%; no homozygotes.

Submissions (2):

Women's Health and Genetics/Laboratory Corporation of America, LabCorp
Classification: Uncertain significance. Last evaluated: 2026-03-24. Review status: criteria provided, single submitter. Criteria: LabCorp Variant Classification Summary - May 2015. Collection method: clinical testing. Allele origin: germline.
Comment: Variant summary: NLRP1 c.900G>A (p.Trp300X) results in a premature termination codon, predicted to cause a truncation of the encoded protein or absence of the protein due to nonsense mediated decay, however current evidence is not sufficient to establish loss of function as a mechanism for disease. The variant allele was found at a frequency of 1.6e-05 in 251476 control chromosomes. The available data on variant occurrences in the general population are insufficient to allow any conclusion about variant significance. To our knowledge, no occurrence of c.900G>A in individuals affected with NLRP1-related conditions and no experimental evidence demonstrating its impact on protein function have been reported. ClinVar contains an entry for this variant (Variation ID: 2420132). Based on the evidence outlined above, the variant was classified as uncertain significance.

Labcorp Genetics (formerly Invitae), Labcorp
Classification: Uncertain significance. Last evaluated: 2025-12-01. Review status: criteria provided, single submitter. Criteria: Invitae Variant Classification Sherloc (09022015). Collection method: clinical testing. Allele origin: germline.
Comment: This sequence change creates a premature translational stop signal (p.Trp300*) in the NLRP1 gene. It is expected to result in an absent or disrupted protein product. However, the current clinical and genetic evidence is not sufficient to establish whether loss-of-function variants in NLRP1 cause disease. This variant is present in population databases (rs199601420, gnomAD 0.004%). This variant has not been reported in the literature in individuals affected with NLRP1-related conditions. ClinVar contains an entry for this variant (Variation ID: 2420132). In summary, the available evidence is currently insufficient to determine the role of this variant in disease. Therefore, it has been classified as a Variant of Uncertain Significance.

NM_033004.4(NLRP1):c.900G>A (p.Trp300Ter)

Gene: NLRP1 (NLR family pyrin domain containing 1; minus strand). Cytogenetic location: 17p13.2.
Variant type: single nucleotide variant.
Coding change: c.900G>A on transcript NM_033004.4 (MANE Select); coding-DNA position 900, G replaced by A.
Protein change: p.Trp300Ter; replaces tryptophan 300 with a stop codon.
Molecular consequence: nonsense.
Genome position (GRCh38, 1-based): chr17:5,559,796, C>T on the plus strand (G>A on the coding strand, the complement: NLRP1 is on the minus strand). VCF-style: chr17-5559796-C-T. GRCh37 (hg19) VCF-style: chr17-5463116-C-T.
Other names: c.900G>A, p.Trp300Ter (NM_033006.4, NM_033007.4, NM_001033053.3 and 1 more transcripts); short protein forms W300*.
Identifiers: ClinVar variation 2420132 (VCV002420132.7), dbSNP rs199601420, ClinGen allele CA8327466.
Genomic context (GRCh38, chr17:5,559,796, plus strand): 5'-TGGGCCAAATAAGTCTCTGATCTCAATTAAATGTCCTCGATTCTCCTCCACATAATCAGG[C>T]CAGCTTCTCTTGACCAGGGGATCTTGGCTTCTGGGGTGAGGTCTTTGTAGAAGTAGCAGC-3'